The following is an entry in ClinVar:

NM_177438.3(DICER1):c.4030T>C (p.Ser1344Pro)

Gene: DICER1 (dicer 1, ribonuclease III; minus strand). Cytogenetic location: 14q32.13.
Variant type: single nucleotide variant.
Coding change: c.4030T>C on transcript NM_177438.3 (MANE Select); coding-DNA position 4030, T replaced by C.
Protein change: p.Ser1344Pro; replaces serine 1344 with proline.
Molecular consequence: missense variant. On other transcripts: non-coding transcript variant (6).
Genome position (GRCh38, 1-based): chr14:95,103,366, A>G on the plus strand (T>C on the coding strand, the complement: DICER1 is on the minus strand). VCF-style: chr14-95103366-A-G. GRCh37 (hg19) VCF-style: chr14-95569703-A-G.
Other names: c.4030T>C, p.Ser1344Pro (NM_001395682.1, NM_001395683.1, NM_001395684.1 and 13 more transcripts); c.3748T>C, p.Ser1250Pro (NM_001395686.1); c.3625T>C, p.Ser1209Pro (NM_001395687.1, NM_001395688.1, NM_001395689.1 and 2 more transcripts); c.3463T>C, p.Ser1155Pro (NM_001395691.1); c.2347T>C, p.Ser783Pro (NM_001395697.1); short protein forms S1155P, S1209P, S1344P, S783P, S1250P.
Identifiers: ClinVar variation 1737209 (VCV001737209.4), dbSNP rs1595363710, ClinGen allele CA390872921.

ClinVar aggregate classification (germline): Uncertain significance (1 of 4 stars; one submission).

Conditions:
Hereditary cancer-predisposing syndrome. Also called: Hereditary Cancer Syndrome; Hereditary neoplastic syndrome; Neoplastic Syndromes, Hereditary; Tumor predisposition. Identifiers: Orphanet 140162, MedGen C0027672, MeSH D009386, MONDO:0015356.

Submission:

Ambry Genetics
Classification: Uncertain significance for Hereditary cancer-predisposing syndrome. Last evaluated: 2026-08-12. Review status: criteria provided, single submitter. Criteria: Ambry Variant Classification Scheme 2023. Collection method: clinical testing. Allele origin: germline.
Comment: The p.S1344P variant (also known as c.4030T>C), located in coding exon 20 of the DICER1 gene, results from a T to C substitution at nucleotide position 4030. The serine at codon 1344 is replaced by proline, an amino acid with similar properties. This variant resides in the metal ion-binding residue located in the RNase IIIb domain of the DICER1, that is defined as a mutational hotspot and critical functional domain (de Kock L et al. Hum Mutat, 2019 Nov;40:1939-1953). This amino acid position is highly conserved in available vertebrate species. In addition, this alteration is predicted to be deleterious by in silico analysis. Based on the available evidence, the clinical significance of this variant remains unclear.